The following is an entry in ClinVar:

NM_000081.4(LYST):c.3047C>T (p.Thr1016Ile)

Gene: LYST (lysosomal trafficking regulator; minus strand). Cytogenetic location: 1q42.3.
Variant type: single nucleotide variant.
Coding change: c.3047C>T on transcript NM_000081.4 (MANE Select); coding-DNA position 3047, C replaced by T.
Protein change: p.Thr1016Ile; replaces threonine 1016 with isoleucine.
Molecular consequence: missense variant.
Genome position (GRCh38, 1-based): chr1:235,806,089, G>A on the plus strand (C>T on the coding strand, the complement: LYST is on the minus strand). VCF-style: chr1-235806089-G-A. GRCh37 (hg19) VCF-style: chr1-235969389-G-A.
Other names: c.3047C>T, p.Thr1016Ile (NM_001301365.1); short protein forms T1016I.
Identifiers: ClinVar variation 1449317 (VCV001449317.7), dbSNP rs768065591, ClinGen allele CA1467153.

ClinVar aggregate classification (germline): Uncertain significance (1 of 4 stars; one submission).

Conditions:
Chédiak-Higashi syndrome (CHS). Also called: Chediak-Higashi Syndrome. Identifiers: Orphanet 167, MedGen C0007965, MONDO:0008963, OMIM 214500.

Allele frequency attached by ClinVar (database versions not stated): ExAC 0.00002; TOPMed 0.00002.
gnomAD v4.1: 3 of 1,613,428 alleles (0.00019%); highest among the groups gnomAD compares: Admixed American, 0.0033%; no homozygotes.

Submission:

Labcorp Genetics (formerly Invitae), Labcorp
Classification: Uncertain significance for Chédiak-Higashi syndrome. Last evaluated: 2025-02-16. Review status: criteria provided, single submitter. Criteria: Invitae Variant Classification Sherloc (09022015). Collection method: clinical testing. Allele origin: germline.
Comment: This sequence change replaces threonine, which is neutral and polar, with isoleucine, which is neutral and non-polar, at codon 1016 of the LYST protein (p.Thr1016Ile). This variant is present in population databases (rs768065591, gnomAD 0.007%). This variant has not been reported in the literature in individuals affected with LYST-related conditions. ClinVar contains an entry for this variant (Variation ID: 1449317). Invitae Evidence Modeling of protein sequence and biophysical properties (such as structural, functional, and spatial information, amino acid conservation, physicochemical variation, residue mobility, and thermodynamic stability) indicates that this missense variant is not expected to disrupt LYST protein function with a negative predictive value of 80%. In summary, the available evidence is currently insufficient to determine the role of this variant in disease. Therefore, it has been classified as a Variant of Uncertain Significance.